The following is an entry in ClinVar:

ClinVar aggregate classification (germline): Pathogenic (1 of 4 stars; one submission).

Submission:

Labcorp Genetics (formerly Invitae), Labcorp
Classification: Pathogenic. Last evaluated: 2022-07-19. Review status: criteria provided, single submitter. Criteria: Invitae Variant Classification Sherloc (09022015). Collection method: clinical testing. Allele origin: germline.
Comment: Algorithms developed to predict the effect of missense changes on protein structure and function are either unavailable or do not agree on the potential impact of this missense change (SIFT: "Deleterious"; PolyPhen-2: "Possibly Damaging"; Align-GVGD: "Class C0"). For these reasons, this variant has been classified as Pathogenic. ClinVar contains an entry for this variant (Variation ID: 1071562). This missense change has been observed in individual(s) with cleidocranial dysplasia (PMID: 18166138). It has also been observed to segregate with disease in related individuals. This variant is not present in population databases (gnomAD no frequency). This sequence change replaces leucine, which is neutral and non-polar, with proline, which is neutral and non-polar, at codon 136 of the RUNX2 protein (p.Leu136Pro).

Literature cited by the submitters: PubMed 18166138.

NM_001024630.4(RUNX2):c.407T>C (p.Leu136Pro)

Gene: RUNX2 (RUNX family transcription factor 2; plus strand). Cytogenetic location: 6p21.1.
Variant type: single nucleotide variant.
Coding change: c.407T>C on transcript NM_001024630.4 (MANE Select); coding-DNA position 407, T replaced by C.
Protein change: p.Leu136Pro; replaces leucine 136 with proline.
Molecular consequence: missense variant.
Genome position (GRCh38, 1-based): chr6:45,422,941, T>C. VCF-style: chr6-45422941-T-C. GRCh37 (hg19) VCF-style: chr6-45390678-T-C.
Other names: c.407T>C, p.Leu136Pro (NM_001015051.4); c.365T>C, p.Leu122Pro (NM_001278478.2, NM_001369405.1); short protein forms L122P, L136P.
Identifiers: ClinVar variation 1071562 (VCV001071562.9), dbSNP rs2150362661, ClinGen allele CA363958699.